The following is an entry in ClinVar:

ClinVar aggregate classification (germline): Uncertain significance (1 of 4 stars; one submission).

Conditions:
Frasier syndrome. Identifiers: Orphanet 347, MedGen C0950122, MeSH D052159, MONDO:0007635, OMIM 136680.
Drash syndrome (DDS). Also called: NEPHROPATHY, WILMS TUMOR, AND GENITAL ANOMALIES; WILMS TUMOR AND PSEUDO- OR TRUE HERMAPHRODITISM. Identifiers: Orphanet 220, MedGen C0950121, MONDO:0008682, OMIM 194080.
Wilms tumor 1 (WT1). Also called: Wilms tumor, somatic. Identifiers: Orphanet 654, MedGen CN033288, MONDO:0008679, OMIM 194070.
11p partial monosomy syndrome (WAGR). Also called: WAGR Spectrum Disorder; CHROMOSOME 11p13 DELETION SYNDROME; WAGR syndrome; WAGR Complex. Identifiers: Orphanet 893, MedGen C0206115, MONDO:0008681, OMIM 194072.

Submission:

Labcorp Genetics (formerly Invitae), Labcorp
Classification: Uncertain significance for Wilms tumor 1; Drash syndrome; 11p partial monosomy syndrome; Frasier syndrome. Last evaluated: 2023-02-21. Review status: criteria provided, single submitter. Criteria: Invitae Variant Classification Sherloc (09022015). Collection method: clinical testing. Allele origin: germline.
Comment: This variant is not present in population databases (gnomAD no frequency). In summary, the available evidence is currently insufficient to determine the role of this variant in disease. Therefore, it has been classified as a Variant of Uncertain Significance. Variants that disrupt the consensus splice site are a relatively common cause of aberrant splicing (PMID: 17576681, 9536098). Algorithms developed to predict the effect of sequence changes on RNA splicing suggest that this variant may create or strengthen a splice site. An algorithm developed to predict the effect of missense changes on protein structure and function (PolyPhen-2) suggests that this variant is likely to be disruptive. This variant has not been reported in the literature in individuals affected with WT1-related conditions. This sequence change replaces glycine, which is neutral and non-polar, with cysteine, which is neutral and slightly polar, at codon 257 of the WT1 protein (p.Gly257Cys). This variant also falls at the last nucleotide of exon 2, which is part of the consensus splice site for this exon.

Literature cited by the submitters: PubMed 17576681; PubMed 9536098.

NM_024426.6(WT1):c.784G>T (p.Gly262Cys)

Gene: WT1 (WT1 transcription factor; minus strand). Cytogenetic location: 11p13.
Variant type: single nucleotide variant.
Coding change: c.784G>T on transcript NM_024426.6 (MANE Select); coding-DNA position 784, G replaced by T.
Protein change: p.Gly262Cys; replaces glycine 262 with cysteine.
Molecular consequence: missense variant. On other transcripts: non-coding transcript variant (2), intron variant (2).
Genome position (GRCh38, 1-based): chr11:32,428,497, C>A on the plus strand (G>T on the coding strand, the complement: WT1 is on the minus strand). VCF-style: chr11-32428497-C-A. GRCh37 (hg19) VCF-style: chr11-32450043-C-A.
Other names: c.784G>T, p.Gly262Cys (NM_000378.6, NM_001407044.1, NM_001407045.1 and 4 more transcripts); c.133G>T, p.Gly45Cys (NM_001198551.2, NM_001198552.2); c.22G>T, p.Gly8Cys (NM_001407051.1); c.769G>T, p.Gly257Cys (NM_024425.2); c.662-439G>T (NM_001407050.1, NM_001407047.1); short protein forms G257C, G45C, G8C, G262C.
Identifiers: ClinVar variation 2944567 (VCV002944567.3), dbSNP rs2494430783, ClinGen allele CA379963251.